The following is an entry in ClinVar:

ClinVar aggregate classification (germline): Conflicting classifications of pathogenicity. Review status: criteria provided, conflicting classifications (1 of 4 stars). 5 submissions from 5 submitters: Uncertain significance (2); Benign (1); Likely benign (2). Last evaluated 2025-03-31.

Conditions:
Peutz-Jeghers syndrome (PJS). Also called: POLYPOSIS, HAMARTOMATOUS INTESTINAL; POLYPS-AND-SPOTS SYNDROME; Peutz-Jeghers polyposis; Periorificial lentiginosis syndrome. Identifiers: Orphanet 2869, MedGen C0031269, MeSH D010580, MONDO:0008280, OMIM 175200.
Hereditary cancer-predisposing syndrome. Also called: Hereditary Cancer Syndrome; Hereditary neoplastic syndrome; Tumor predisposition; Neoplastic Syndromes, Hereditary. Identifiers: Orphanet 140162, MedGen C0027672, MeSH D009386, MONDO:0015356.

Allele frequency attached by ClinVar (database versions not stated): gnomAD exomes below 0.00001.
gnomAD v4.1: 4 of 1,579,326 alleles (0.00025%); highest among the groups gnomAD compares: Non-Finnish European, 0.00034%; no homozygotes.

Submissions (5):

Myriad Genetics, Inc.
Classification: Benign for Peutz-Jeghers syndrome. Last evaluated: 2025-03-31. Review status: criteria provided, single submitter. Criteria: Myriad Autosomal Dominant, Autosomal Recessive and X-Linked Classification Criteria (2023). Collection method: clinical testing. Allele origin: unknown.
Comment: This variant is considered benign. This variant is a silent/synonymous amino acid change and it is not expected to impact splicing.

Labcorp Genetics (formerly Invitae), Labcorp
Classification: Likely benign for Peutz-Jeghers syndrome. Last evaluated: 2024-06-21. Review status: criteria provided, single submitter. Criteria: Invitae Variant Classification Sherloc (09022015). Collection method: clinical testing. Allele origin: germline.

GeneDx
Classification: Uncertain significance. Last evaluated: 2021-09-27. Review status: criteria provided, single submitter. Criteria: GeneDx Variant Classification Process June 2021. Collection method: clinical testing. Allele origin: germline. Affected: yes.
Comment: Not observed at significant frequency in large population cohorts (Lek et al., 2016); In silico analysis supports that this variant does not alter splicing; Has not been previously published as pathogenic or benign to our knowledge

Genome-Nilou Lab
Classification: Uncertain significance for Peutz-Jeghers syndrome. Last evaluated: 2021-07-15. Review status: criteria provided, single submitter. Criteria: ACMG Guidelines, 2015. Collection method: clinical testing. Allele origin: germline. Affected: no.

Ambry Genetics
Classification: Likely benign for Hereditary cancer-predisposing syndrome. Last evaluated: 2021-03-30. Review status: criteria provided, single submitter. Criteria: Ambry Variant Classification Scheme 2023. Collection method: clinical testing. Allele origin: germline.

NM_000455.5(STK11):c.1236C>T (p.Asn412=)

Gene: STK11 (serine/threonine kinase 11; plus strand). Cytogenetic location: 19p13.3.
Variant type: single nucleotide variant.
Coding change: c.1236C>T on transcript NM_000455.5 (MANE Select); coding-DNA position 1236, C replaced by T.
Protein change: p.Asn412=; no amino-acid change (asparagine 412 retained).
Molecular consequence: synonymous variant.
Genome position (GRCh38, 1-based): chr19:1,226,581, C>T. VCF-style: chr19-1226581-C-T. GRCh37 (hg19) VCF-style: chr19-1226580-C-T.
Identifiers: ClinVar variation 458025 (VCV000458025.18), dbSNP rs1158714606, ClinGen allele CA402953913.